The following is an entry in ClinVar:

ClinVar aggregate classification (germline): Uncertain significance. Review status: criteria provided, multiple submitters, no conflicts (2 of 4 stars). 2 submissions from 2 submitters: Uncertain significance (2). Last evaluated 2026-01-05.

Conditions:
Developmental delay with or without dysmorphic facies and autism. Identifiers: MedGen C5193106, MONDO:0032760, OMIM 618454.

Allele frequency attached by ClinVar (database versions not stated): TOPMed below 0.00001; ExAC 0.00001; gnomAD exomes 0.00001; gnomAD 0.00002.
gnomAD v4.1: 14 of 1,614,028 alleles (0.00087%); highest among the groups gnomAD compares: South Asian, 0.0044%; no homozygotes.

Submissions (2):

Clinical Genomics Laboratory, Washington University in St. Louis
Classification: Uncertain significance for Developmental delay with or without dysmorphic facies and autism. Last evaluated: 2026-01-05. Review status: criteria provided, single submitter. Criteria: ACMG Guidelines, 2015. Collection method: clinical testing. Allele origin: germline.
Comment: The TRRAP c.3938C>T (p.Thr1313Met) variant, to our knowledge, has not been reported in the medical literature but has been reported as a germline variant of uncertain significance by a single submitter in the ClinVar database. This variant is only observed in 2/251,338 alleles in the general population (gnomAD v2.1.1), indicating it is not a common variant. Computational predictors are uncertain as to the impact of this variant on TRRAP function. The TRRAP gene has a low rate of benign missense variation and where pathogenic missense variants are a common mechanism of disease. Due to limited information, and based on ACMG/AMP guidelines for variant interpretation (Richards S et al., PMID: 25741868), the clinical significance of this variant is uncertain at this time.

Labcorp Genetics (formerly Invitae), Labcorp
Classification: Uncertain significance. Last evaluated: 2023-08-02. Review status: criteria provided, single submitter. Criteria: Invitae Variant Classification Sherloc (09022015). Collection method: clinical testing. Allele origin: germline.
Comment: In summary, the available evidence is currently insufficient to determine the role of this variant in disease. Therefore, it has been classified as a Variant of Uncertain Significance. Advanced modeling of protein sequence and biophysical properties (such as structural, functional, and spatial information, amino acid conservation, physicochemical variation, residue mobility, and thermodynamic stability) performed at Invitae indicates that this missense variant is expected to disrupt TRRAP protein function. This variant has not been reported in the literature in individuals affected with TRRAP-related conditions. This variant is present in population databases (rs782175775, gnomAD 0.003%). This sequence change replaces threonine, which is neutral and polar, with methionine, which is neutral and non-polar, at codon 1313 of the TRRAP protein (p.Thr1313Met).

NM_001375524.1(TRRAP):c.3938C>T (p.Thr1313Met)

Gene: TRRAP (transformation/transcription domain associated protein; plus strand). Cytogenetic location: 7q22.1.
Variant type: single nucleotide variant.
Coding change: c.3938C>T on transcript NM_001375524.1 (MANE Select); coding-DNA position 3938, C replaced by T.
Protein change: p.Thr1313Met; replaces threonine 1313 with methionine.
Molecular consequence: missense variant.
Genome position (GRCh38, 1-based): chr7:98,933,326, C>T. VCF-style: chr7-98933326-C-T. GRCh37 (hg19) VCF-style: chr7-98530949-C-T.
Other names: c.3938C>T, p.Thr1313Met (NM_001244580.2, NM_003496.4); short protein forms T1313M.
Identifiers: ClinVar variation 3007207 (VCV003007207.4), dbSNP rs782175775, ClinGen allele CA4360108.
Genomic context (GRCh38, chr7:98,933,326, plus strand): 5'-AGAAGCACCTGCTCCGACACCAGCCTGCCAACGCACAGATTGGCCTGATGGAGGGGAACA[C>T]GTTCTGTACCACGTTGCAGCCCAGGCTCTTCACAATGGACCTTAACGTGGTGGAGCATAA-3'
Protein context (NP_001362453.1, residues 1303-1323): NAQIGLMEGN[Thr1313Met]FCTTLQPRLF